The following continues an entry in ClinVar:

NM_000070.3(CAPN3):c.2393C>A (p.Ala798Glu)

Gene: CAPN3. ClinVar aggregate classification (germline): Pathogenic. Pathogenic (1).

Submissions 11 to 17 of 17:

Molecular Genetics, Royal Melbourne Hospital
Classification: Pathogenic for Autosomal recessive limb-girdle muscular dystrophy type 2A. Last evaluated: 2022-04-22. Review status: criteria provided, single submitter. Criteria: ACMG Guidelines, 2015. Collection method: clinical testing. Allele origin: germline. Affected: yes. Not counted in ClinVar's aggregate classification.
Comment: This sequence change is predicted to replace alanine with glutamic acid at codon 798 of the CAPN3 protein, p.(Ala798Glu). The alanine residue is highly conserved (100 vertebrates, UCSC), and is located in the Penta E-F hand (PEF) domain (PMID: 26363099). There is a large physicochemical difference between alanine and glutamic acid. The variant is present in a large population cohort at a frequency of 0.01%, which is consistent with a recessive condition (rs149095128, 28/282,814 alleles, 0 homozygotes in gnomAD v2.1). The variant has been identified homozygous and with a second pathogenic allele in multiple individuals with limb-girdle muscular dystrophy and segregates with the condition in at least one family (PMID: 18055493, 19556129, 22443334, 25135358, 26886200; LOVD). Absent or reduced calpain 3 protein expression has been identified in the muscle biopsies of multiple cases with the variant (PMID: 18055493, 18337726, 19556129). Multiple lines of computational evidence have conflicting predictions for the missense substitution (2/4 algorithms predict deleterious). Based on the classification scheme RMH ACMG Guidelines v1.2.1, this variant is classified as PATHOGENIC. Following criteria are met: PM3_VeryStrong, PM2, PP1, PP4.

Women's Health and Genetics/Laboratory Corporation of America, LabCorp
Classification: Pathogenic for Autosomal recessive limb-girdle muscular dystrophy. Last evaluated: 2021-12-28. Review status: criteria provided, single submitter. Criteria: LabCorp Variant Classification Summary - May 2015. Collection method: clinical testing. Allele origin: germline. Not counted in ClinVar's aggregate classification.
Comment: Variant summary: CAPN3 c.2393C>A (p.Ala798Glu) results in a non-conservative amino acid change located in the EF-hand domain (IPR002048) of the encoded protein sequence. Four of five in-silico tools predict a damaging effect of the variant on protein function. The variant allele was found at a frequency of 8e-05 in 251420 control chromosomes (gnomAD). This frequency is not significantly higher than expected for a pathogenic variant in CAPN3 causing Limb-Girdle Muscular Dystrophy, Autosomal Recessive (8e-05 vs 0.0032), allowing no conclusion about variant significance. c.2393C>A has been reported in the literature in multiple individuals affected with limb girdle muscular dystrophy type 2A (Groen_2007, Guglieri_2008, Duno_2008, Charlton_2009, Hauerslev_2012), including at least one homozygote. These data indicate that the variant is very likely to be associated with disease. Western blot results showed reduced or absent Calpain-3 protein at 94kDa and 30kDa from patients samples who carried this variant (Groen_2007, Guglieri_2008, Duno_2008, Charlton_2009, Hauerslev_2012). Eight ClinVar submitters (evaluation after 2014) cite the variant as pathogenic (n=7) and likely pathogenic (n=1). Based on the evidence outlined above, the variant was classified as pathogenic.

MGZ Medical Genetics Center
Classification: Pathogenic for Autosomal recessive limb-girdle muscular dystrophy type 2A. Last evaluated: 2021-10-27. Review status: criteria provided, single submitter. Criteria: ACMG Guidelines, 2015. Collection method: clinical testing. Allele origin: germline. Affected: yes. Observed: 1 variant allele. Not counted in ClinVar's aggregate classification.
Comment: ACMG criteria applied: PS3, PS4_MOD, PM3, PM2_SUP, PP3

Illumina Laboratory Services, Illumina
Classification: Pathogenic for Limb-girdle muscular dystrophy, type 2A. Last evaluated: 2017-04-27. Review status: criteria provided, single submitter. Criteria: ICSL Variant Classification Criteria 09 May 2019. Collection method: clinical testing. Allele origin: germline. Not counted in ClinVar's aggregate classification.
Comment: Across eight studies, the CAPN3 c.2393C>A (p.Ala798Glu) missense variant was identified in 11 patients with calpainopathy, including two homozygotes, eight compound heterozygotes, and one heterozygote in whom a second variant was not identified (Anderson et al. 2000; Groen et al. 2007; Duno et al. 2008; Charlton R et al. 2009; Hauerslev et al. 2012; Sveen et al. 2013; StehlÃ­kovÃ¡ et al. 2014; Kuhn et al. 2016). Control data are unavailable for this variant, which is reported at a frequency of 0.00019 in the European (non-Finnish) population of the Exome Aggregation Consortium. Based on the evidence, the p.Ala798Glu variant is classified as pathogenic for calpainopathy. This variant was observed by ICSL as part of a predisposition screen in an ostensibly healthy population.

Eurofins Ntd Llc (ga)
Classification: Pathogenic. Last evaluated: 2016-02-08. Review status: criteria provided, single submitter. Criteria: EGL Classification Definitions. Collection method: clinical testing. Allele origin: germline. Observed: 21 variant alleles, 19 heterozygotes, 2 homozygotes. Not counted in ClinVar's aggregate classification.

Athena Diagnostics
Classification: Pathogenic for Limb-girdle muscular dystrophy, type 2A. Last evaluated: 2015-08-26. Review status: criteria provided, single submitter. Criteria: Athena Diagnostics Criteria. Collection method: clinical testing. Allele origin: germline. Inheritance: Autosomal recessive inheritance. Not counted in ClinVar's aggregate classification.

Counsyl
Classification: Likely pathogenic for Autosomal recessive limb-girdle muscular dystrophy type 2A. Last evaluated: 2017-04-24. Review status: no assertion criteria provided. Collection method: clinical testing. Allele origin: unknown. Not counted in ClinVar's aggregate classification.

Literature cited by the submitters: PubMed 17994539 (cited by 3 submitters); PubMed 18055493 (cited by 7 submitters); PubMed 18337726 (cited by 7 submitters); PubMed 19556129 (cited by 6 submitters); PubMed 22443334 (cited by 6 submitters); PubMed 23169433 (cited by 3 submitters); PubMed 25135358 (cited by 7 submitters); PubMed 11053681 (cited by 3 submitters); PubMed 27447704 (cited by Natera, Inc.); PubMed 10330340 (cited by Mayo Clinic Laboratories, Mayo Clinic and Athena Diagnostics); PubMed 26886200 (cited by 4 submitters); PubMed 30919934 (cited by Mayo Clinic Laboratories, Mayo Clinic); PubMed 34405919 (cited by Mayo Clinic Laboratories, Mayo Clinic); PubMed 37273706 (cited by Mayo Clinic Laboratories, Mayo Clinic); PubMed 26363099 (cited by Molecular Genetics, Royal Melbourne Hospital).